The following is an entry in ClinVar:

NM_018389.5(SLC35C1):c.433G>A (p.Val145Met)

Gene: SLC35C1 (solute carrier family 35 member C1; plus strand). Cytogenetic location: 11p11.2.
Variant type: single nucleotide variant.
Coding change: c.433G>A on transcript NM_018389.5 (MANE Select); coding-DNA position 433, G replaced by A.
Protein change: p.Val145Met; replaces valine 145 with methionine.
Molecular consequence: missense variant.
Genome position (GRCh38, 1-based): chr11:45,806,234, G>A. VCF-style: chr11-45806234-G-A. GRCh37 (hg19) VCF-style: chr11-45827785-G-A.
Other names: c.394G>A, p.Val132Met (NM_001145265.2, NM_001145266.2); short protein forms V132M, V145M.
Identifiers: ClinVar variation 1414177 (VCV001414177.4), dbSNP rs751986448, ClinGen allele CA5958241.

ClinVar aggregate classification (germline): Uncertain significance. Review status: criteria provided, multiple submitters, no conflicts (2 of 4 stars). 2 submissions from 2 submitters: Uncertain significance (2). Last evaluated 2025-04-07.

Conditions:
Inborn genetic diseases. Identifiers: MedGen C0950123, MeSH D030342.
Leukocyte adhesion deficiency type II. Also called: CONGENITAL DISORDER OF GLYCOSYLATION, TYPE IIc; Congenital disorder of glycosylation type 2C; CDG 2C; Leukocyte adhesion deficiency type 2; Rambam Hasharon syndrome; CDG IIc. Identifiers: Orphanet 2968, Orphanet 99843, MedGen C0398739, MONDO:0009953, OMIM 266265.

Allele frequency attached by ClinVar (database versions not stated): gnomAD 0.00001; ExAC 0.00002; TOPMed 0.00002; gnomAD exomes 0.00003.
gnomAD v4.1: 26 of 1,607,860 alleles (0.0016%); highest among the groups gnomAD compares: Middle Eastern, 0.033%; no homozygotes.

Submissions (2):

Ambry Genetics
Classification: Uncertain significance for Inborn genetic diseases. Last evaluated: 2025-04-07. Review status: criteria provided, single submitter. Criteria: Ambry Variant Classification Scheme 2023. Collection method: clinical testing. Allele origin: germline.

Labcorp Genetics (formerly Invitae), Labcorp
Classification: Uncertain significance for Leukocyte adhesion deficiency type II. Last evaluated: 2022-02-02. Review status: criteria provided, single submitter. Criteria: Invitae Variant Classification Sherloc (09022015). Collection method: clinical testing. Allele origin: germline.
Comment: This sequence change replaces valine, which is neutral and non-polar, with methionine, which is neutral and non-polar, at codon 145 of the SLC35C1 protein (p.Val145Met). This variant is present in population databases (rs751986448, gnomAD 0.006%). This variant has not been reported in the literature in individuals affected with SLC35C1-related conditions. Algorithms developed to predict the effect of missense changes on protein structure and function are either unavailable or do not agree on the potential impact of this missense change (SIFT: "Deleterious"; PolyPhen-2: "Possibly Damaging"; Align-GVGD: "Class C0"). In summary, the available evidence is currently insufficient to determine the role of this variant in disease. Therefore, it has been classified as a Variant of Uncertain Significance.